The following is an entry in ClinVar:

ClinVar aggregate classification (germline): Uncertain significance. Review status: criteria provided, multiple submitters, no conflicts (2 of 4 stars). 2 submissions from 2 submitters: Uncertain significance (2). Last evaluated 2023-01-26.

Allele frequency attached by ClinVar (database versions not stated): gnomAD exomes below 0.00001; TOPMed below 0.00001.
gnomAD v4.1: 2 of 1,613,358 alleles (0.00012%); highest among the groups gnomAD compares: Non-Finnish European, 0.00017%; no homozygotes.

Submissions (2):

Ambry Genetics
Classification: Uncertain significance. Last evaluated: 2023-01-26. Review status: criteria provided, single submitter. Criteria: Ambry Variant Classification Scheme 2023. Collection method: clinical testing. Allele origin: germline.

Labcorp Genetics (formerly Invitae), Labcorp
Classification: Uncertain significance. Last evaluated: 2022-04-16. Review status: criteria provided, single submitter. Criteria: Invitae Variant Classification Sherloc (09022015). Collection method: clinical testing. Allele origin: germline.
Comment: This sequence change replaces methionine, which is neutral and non-polar, with threonine, which is neutral and polar, at codon 676 of the NCKAP1L protein (p.Met676Thr). This variant is not present in population databases (gnomAD no frequency). This variant has not been reported in the literature in individuals affected with NCKAP1L-related conditions. Algorithms developed to predict the effect of missense changes on protein structure and function are either unavailable or do not agree on the potential impact of this missense change (SIFT: "Tolerated"; PolyPhen-2: "Possibly Damaging"; Align-GVGD: "Class C0"). In summary, the available evidence is currently insufficient to determine the role of this variant in disease. Therefore, it has been classified as a Variant of Uncertain Significance.

NM_005337.5(NCKAP1L):c.2027T>C (p.Met676Thr)

Gene: NCKAP1L (NCK associated protein 1 like; plus strand). Cytogenetic location: 12q13.2.
Variant type: single nucleotide variant.
Coding change: c.2027T>C on transcript NM_005337.5 (MANE Select); coding-DNA position 2027, T replaced by C.
Protein change: p.Met676Thr; replaces methionine 676 with threonine.
Molecular consequence: missense variant.
Genome position (GRCh38, 1-based): chr12:54,523,827, T>C. VCF-style: chr12-54523827-T-C. GRCh37 (hg19) VCF-style: chr12-54917611-T-C.
Other names: c.1877T>C, p.Met626Thr (NM_001184976.2); c.2027T>C (NM_005337.4); short protein forms M626T, M676T.
Identifiers: ClinVar variation 2195725 (VCV002195725.3), dbSNP rs761371189, ClinGen allele CA237460291.